The following is an entry in ClinVar:

ClinVar aggregate classification (germline): Pathogenic/Likely pathogenic. Review status: criteria provided, multiple submitters, no conflicts (2 of 4 stars). 2 submissions from 2 submitters: Pathogenic (1); Likely pathogenic (1). Last evaluated 2025-02-10.

Conditions:
Collagen 6-related myopathy. Identifiers: MedGen CN117976, MONDO:0100225.
Bethlem myopathy 1A. Also called: Bethlem myopathy 1; MYOPATHY, BENIGN CONGENITAL, WITH CONTRACTURES; Bethlem Muscular Dystrophy. Identifiers: Orphanet 610, MedGen CN029274, MONDO:0024530, OMIM 158810.

Submissions (2):

Clinical Omics and Informatics (COIN) Unit, Neuroscience Institute, University Of Cape Town
Classification: Pathogenic for Collagen 6-related myopathy. Last evaluated: 2025-02-10. Review status: criteria provided, single submitter. Criteria: ACMG Guidelines, 2015. Collection method: research. Allele origin: germline. Inheritance: Autosomal dominant inheritance. Affected: yes. Observed: 1 variant allele, 1 heterozygote.
Comment: PM2_supporting: this variant is absent from gnomAD exomes and genomes (coverage >20X confirmed) and an internal database. PP3_strong: REVEL score is 0.947. PM1 met: ~40% of pathogenic COL6A1 variants occur in the collagen triple helix (TH) repeat domain and these are heavily clustered in a short segment N-terminal to the 17th Gly-X-Y triplet, where they act as dominant mutations (PMID 24038877). This variant involves a glycine substitution in the third Gly-X-Y triplet of the collagen TH repeat domain which lies outside the critical region (Gly-X-Y triplets 10-15) associated with a more severe disruption of collagen 6 assembly and a more severe clinical phenotype (PMID 18825676, 24038877). PM5 met: COL6A1 p.Gly263Asp is classified as pathogenic (ClinVar accession SCV002311486.2 documenting multiple observations in individuals with clinical features of autosomal dominant COL6A1-related conditions and segregation with disease in related individuals- Invitae). Sequencing funded by the International Centre for Genomic Medicine in Neuromuscular Diseases (ICGNMD).

Labcorp Genetics (formerly Invitae), Labcorp
Classification: Likely pathogenic for Bethlem myopathy 1A. Last evaluated: 2018-06-20. Review status: criteria provided, single submitter. Criteria: Invitae Variant Classification Sherloc (09022015). Collection method: clinical testing. Allele origin: germline.
Comment: Glycine residues within the Gly-Xaa-Yaa repeats of the triple helix domain are required for the structure and stability of fibrillar collagens (PMID: 7695699, 8218237, 19344236). In COL6A1, missense variants at these glycine residues are significantly enriched in individuals with disease (PMID: 15689448, 24038877) compared to the general population (ExAC). In summary, the currently available evidence indicates that the variant is pathogenic, but additional data are needed to prove that conclusively. Therefore, this variant has been classified as Likely Pathogenic. This variant has not been reported in the literature in individuals with COL6A1-related disease. This variant is not present in population databases (ExAC no frequency). This sequence change replaces glycine with valine at codon 263 of the COL6A1 protein (p.Gly263Val). The glycine residue is highly conserved and there is a moderate physicochemical difference between glycine and valine.

Literature cited by the submitters: PubMed 24038877 (cited by Clinical Omics and Informatics (COIN) Unit, Neuroscience Institute, University Of Cape Town and Labcorp Genetics (formerly Invitae), Labcorp); PubMed 18825676 (cited by Clinical Omics and Informatics (COIN) Unit, Neuroscience Institute, University Of Cape Town); PubMed 7695699 (cited by Labcorp Genetics (formerly Invitae), Labcorp); PubMed 8218237 (cited by Labcorp Genetics (formerly Invitae), Labcorp); PubMed 19344236 (cited by Labcorp Genetics (formerly Invitae), Labcorp); PubMed 15689448 (cited by Labcorp Genetics (formerly Invitae), Labcorp).

NM_001848.3(COL6A1):c.788G>T (p.Gly263Val)

Gene: COL6A1 (collagen type VI alpha 1 chain; plus strand). Cytogenetic location: 21q22.3.
Variant type: single nucleotide variant.
Coding change: c.788G>T on transcript NM_001848.3 (MANE Select); coding-DNA position 788, G replaced by T.
Protein change: p.Gly263Val; replaces glycine 263 with valine.
Molecular consequence: missense variant.
Genome position (GRCh38, 1-based): chr21:45,987,638, G>T. VCF-style: chr21-45987638-G-T. GRCh37 (hg19) VCF-style: chr21-47407552-G-T.
Other names: short protein forms G263V.
Identifiers: ClinVar variation 570612 (VCV000570612.10), dbSNP rs886043351, ClinGen allele CA410520838.